The following is an entry in ClinVar:

ClinVar aggregate classification (germline): Pathogenic/Likely pathogenic. Review status: criteria provided, multiple submitters, no conflicts (2 of 4 stars). 3 submissions from 3 submitters: Pathogenic (1); Likely pathogenic (1). 1 of the submissions does not count toward it. Last evaluated 2024-06-07.

Conditions:
Mucopolysaccharidosis, MPS-II (MPS2). Also called: Mucopolysaccharidosis with skin involvement; Mucopolysaccharidosis type 2; Mucopolysaccharidosis Type II; SIDS deficiency; IDS deficiency; Sulfoiduronate sulfatase deficiency. Identifiers: Orphanet 580, Orphanet 79388, MedGen C0026705, MONDO:0010674, OMIM 309900.

Submissions (3):

Laboratory of Diagnosis and Therapy of Lysosomal Disorders, University of Padova
Classification: Pathogenic for Mucopolysaccharidosis, MPS-II. Last evaluated: 2024-06-07. Review status: criteria provided, single submitter. Criteria: ACMG Guidelines, 2015. Collection method: literature only. Allele origin: germline. Affected: yes. Observed: 5 variant alleles.
Comment: Prevalence of the variant significantly increased in affected individuals compared with controls (PS4_Supporting), Located in a mutational hot spot and/or critical functional domain (PM1_Moderate), Absent from controls (or at low frequency) in gnomAD database (PM2_Moderate), Missense variant in a gene with a low rate of benign missense variation (PP2_Supporting), Multiple lines of computational evidence support a deleterious effect (PP3_Supporting), Patient’s phenotype or family history highly specific for the disease (PP4_Strong)

Classification method: ACMG Guidelines [PMID:25741868] with modifications

Baylor Genetics
Classification: Likely pathogenic for Mucopolysaccharidosis, MPS-II. Last evaluated: 2022-08-19. Review status: criteria provided, single submitter. Criteria: ACMG Guidelines, 2015. Collection method: clinical testing. Allele origin: unknown.

OMIM
Classification: Pathogenic for MUCOPOLYSACCHARIDOSIS, TYPE II. Last evaluated: 1992-08-01. Review status: no assertion criteria provided. Collection method: literature only. Allele origin: germline. Not counted in ClinVar's aggregate classification.

Literature cited by the submitters: PubMed 1303211 (cited by Laboratory of Diagnosis and Therapy of Lysosomal Disorders, University of Padova and OMIM); PubMed 8281149 (cited by Laboratory of Diagnosis and Therapy of Lysosomal Disorders, University of Padova); PubMed 8111411 (cited by Laboratory of Diagnosis and Therapy of Lysosomal Disorders, University of Padova); PubMed 7887413 (cited by Laboratory of Diagnosis and Therapy of Lysosomal Disorders, University of Padova); PubMed 36713083 (cited by Laboratory of Diagnosis and Therapy of Lysosomal Disorders, University of Padova); PubMed 36945845 (cited by Laboratory of Diagnosis and Therapy of Lysosomal Disorders, University of Padova).

NM_000202.8(IDS):c.404A>G (p.Lys135Arg)

Gene: IDS (iduronate 2-sulfatase; minus strand). Cytogenetic location: Xq28.
Variant type: single nucleotide variant.
Coding change: c.404A>G on transcript NM_000202.8 (MANE Select); coding-DNA position 404, A replaced by G.
Protein change: p.Lys135Arg; replaces lysine 135 with arginine.
Molecular consequence: missense variant. On other transcripts: non-coding transcript variant (1).
Genome position (GRCh38, 1-based): chrX:149,503,326, T>C on the plus strand (A>G on the coding strand, the complement: IDS is on the minus strand). VCF-style: chrX-149503326-T-C. GRCh37 (hg19) VCF-style: chrX-148584856-T-C.
Other names: c.134A>G, p.Lys45Arg (NM_001166550.4); c.404A>G, p.Lys135Arg (NM_006123.5); short protein forms K135R, K45R.
Identifiers: ClinVar variation 10494 (VCV000010494.4), dbSNP rs104894861, ClinGen allele CA255275.